The following is an entry in ClinVar:

NM_000218.3(KCNQ1):c.1337A>G (p.Asp446Gly)

Gene: KCNQ1 (potassium voltage-gated channel subfamily Q member 1; plus strand). Cytogenetic location: 11p15.5.
Variant type: single nucleotide variant.
Coding change: c.1337A>G on transcript NM_000218.3 (MANE Select); coding-DNA position 1337, A replaced by G.
Protein change: p.Asp446Gly; replaces aspartic acid 446 with glycine.
Molecular consequence: missense variant.
Genome position (GRCh38, 1-based): chr11:2,588,798, A>G. VCF-style: chr11-2588798-A-G. GRCh37 (hg19) VCF-style: chr11-2610028-A-G.
Other names: c.1241A>G, p.Asp414Gly (NM_001406836.1); c.1067A>G, p.Asp356Gly (NM_001406837.1); c.797A>G, p.Asp266Gly (NM_001406838.1); c.956A>G, p.Asp319Gly (NM_181798.2); short protein forms D266G, D319G, D356G, D414G, D446G.
Identifiers: ClinVar variation 3072709 (VCV003072709.1), dbSNP rs2493708631, ClinGen allele CA379135080.

ClinVar aggregate classification (germline): Uncertain significance (1 of 4 stars; one submission).

Conditions:
Long QT syndrome (LQTS). Identifiers: MedGen C0023976, MeSH D008133, MONDO:0002442. Disease mechanism: loss of function. Inheritance: Various modes of inheritance.

Submission:

All of Us Research Program, National Institutes of Health
Classification: Uncertain significance for Long QT syndrome. Last evaluated: 2023-08-15. Review status: criteria provided, single submitter. Criteria: ACMG Guidelines, 2015. Collection method: clinical testing. Allele origin: germline. Inheritance: Autosomal dominant inheritance. Observed: 1 variant allele, 1 heterozygote.
Comment: This missense variant replaces aspartic acid with glycine at codon 446 of the KCNQ1 protein. Computational prediction is inconclusive regarding the impact of this variant on protein structure and function (internally defined REVEL score threshold 0.5 < inconclusive < 0.7, PMID: 27666373). To our knowledge, functional studies have not been reported for this variant. This variant has not been reported in individuals affected with KCNQ1-related disorders in the literature. This variant has not been identified in the general population by the Genome Aggregation Database (gnomAD). The available evidence is insufficient to determine the role of this variant in disease conclusively. Therefore, this variant is classified as a Variant of Uncertain Significance.

This study involves interpretation of variants in research participants for the purpose of population health screening. Participant phenotype was not available at the time of variant classification. Additional details can be found in publication PMID: 35346344, PMCID: PMC8962531